The following is an entry in ClinVar:

NM_000130.5(F5):c.5453del (p.Leu1818fs)

Gene: F5 (coagulation factor V; minus strand). Cytogenetic location: 1q24.2.
Variant type: Deletion.
Coding change: c.5453del on transcript NM_000130.5 (MANE Select); coding-DNA position 5453, one base deleted (T; older notation c.5453delT).
Protein change: p.Leu1818fs; shifts the reading frame from leucine 1818.
Molecular consequence: frameshift variant.
Genome position (GRCh38, 1-based): chr1:169,528,061, A deleted on the plus strand (T on the coding strand, the reverse complement: F5 is on the minus strand). VCF-style (leftmost placement, unchanged base first): chr1-169528060-CA-C. GRCh37 (hg19) VCF-style: chr1-169497298-CA-C.
Other names: short protein forms L1818fs.
Identifiers: ClinVar variation 2866617 (VCV002866617.4), dbSNP rs750012108, ClinGen allele CA1233493.

ClinVar aggregate classification (germline): Pathogenic/Likely pathogenic. Review status: criteria provided, multiple submitters, no conflicts (2 of 4 stars). 2 submissions from 2 submitters: Pathogenic (1); Likely pathogenic (1). Last evaluated 2024-04-02.

Conditions:
Congenital factor V deficiency. Also called: PARAHEMOPHILIA; Hereditary factor V deficiency disease; LABILE FACTOR DEFICIENCY; OWREN PARAHEMOPHILIA. Identifiers: Orphanet 326, MedGen C0015499, MONDO:0009210, OMIM 227400.
Thrombophilia due to activated protein C resistance (THPH2). Also called: PCCF DEFICIENCY; PROC COFACTOR DEFICIENCY; THROMBOPHILIA DUE TO DEFICIENCY OF ACTIVATED PROTEIN C COFACTOR; THROMBOPHILIA V; Activated protein C resistance; APC resistance. Identifiers: MedGen C1861171, MONDO:0008560, OMIM 188055. Disease mechanism: loss of function, gain of function.
Budd-Chiari syndrome (BDCHS). Also called: Hepatic vein obstruction. Identifiers: Orphanet 131, MedGen C0856761, MONDO:0010947, OMIM 600880, HP:0002639.
Ischemic stroke. Also called: Ischemic stroke, susceptibility to; CEREBROVASCULAR ACCIDENT. Identifiers: MedGen C0948008, MONDO:1060198, OMIM 601367, HP:0002140.
Pregnancy loss, recurrent, susceptibility to, 1 (RPRGL1). Also called: EMBRYONIC LOSS, RECURRENT; MISCARRIAGE, RECURRENT; STILLBIRTH, RECURRENT; FETAL LOSS, RECURRENT, SUSCEPTIBILITY TO. Identifiers: MedGen C3280670, MONDO:0013727, OMIM 614389.

Allele frequency attached by ClinVar (database versions not stated): ExAC 0.00001.

Submissions (2):

Fulgent Genetics
Classification: Likely pathogenic for Thrombophilia due to activated protein C resistance; Congenital factor V deficiency; Budd-Chiari syndrome; Ischemic stroke; Pregnancy loss, recurrent, susceptibility to, 1. Last evaluated: 2024-04-02. Review status: criteria provided, single submitter. Criteria: ACMG Guidelines, 2015. Collection method: clinical testing. Allele origin: germline.

Labcorp Genetics (formerly Invitae), Labcorp
Classification: Pathogenic for Congenital factor V deficiency. Last evaluated: 2023-05-21. Review status: criteria provided, single submitter. Criteria: Invitae Variant Classification Sherloc (09022015). Collection method: clinical testing. Allele origin: germline.
Comment: For these reasons, this variant has been classified as Pathogenic. Algorithms developed to predict the effect of sequence changes on RNA splicing suggest that this variant may disrupt the consensus splice site. This sequence change creates a premature translational stop signal (p.Leu1818Argfs*9) in the F5 gene. It is expected to result in an absent or disrupted protein product. Loss-of-function variants in F5 are known to be pathogenic (PMID: 30924984). This variant is present in population databases (rs750012108, gnomAD 0.01%). This variant has not been reported in the literature in individuals affected with F5-related conditions.

Literature cited by the submitters: PubMed 30924984 (cited by Labcorp Genetics (formerly Invitae), Labcorp).